The following is an entry in ClinVar:

NM_001715.3(BLK):c.1369C>G (p.Pro457Ala)

Gene: BLK (BLK proto-oncogene, Src family tyrosine kinase). Cytogenetic location: 8p23.1.
Variant type: single nucleotide variant.
Coding change: c.1369C>G on transcript NM_001715.3 (MANE Select); coding-DNA position 1369, C replaced by G.
Protein change: p.Pro457Ala; replaces proline 457 with alanine.
Molecular consequence: missense variant.
Genome position (GRCh38, 1-based): chr8:11,563,959, C>G. VCF-style: chr8-11563959-C-G. GRCh37 (hg19) VCF-style: chr8-11421468-C-G.
Other names: c.1156C>G, p.Pro386Ala (NM_001330465.2); short protein forms P457A, P386A.
Identifiers: ClinVar variation 1351783 (VCV001351783.31), dbSNP rs762537605, ClinGen allele CA4630502.

ClinVar aggregate classification (germline): Uncertain significance. Review status: criteria provided, multiple submitters, no conflicts (2 of 4 stars). 2 submissions from 2 submitters: Uncertain significance (2). Last evaluated 2025-03-26.

Allele frequency attached by ClinVar (database versions not stated): ExAC 0.00001.
gnomAD v4.1: 28 of 1,606,894 alleles (0.0017%); highest among the groups gnomAD compares: Non-Finnish European, 0.002%; no homozygotes.

Submissions (2):

Labcorp Genetics (formerly Invitae), Labcorp
Classification: Uncertain significance. Last evaluated: 2025-03-26. Review status: criteria provided, single submitter. Criteria: Invitae Variant Classification Sherloc (09022015). Collection method: clinical testing. Allele origin: germline.
Comment: This sequence change replaces proline, which is neutral and non-polar, with alanine, which is neutral and non-polar, at codon 457 of the BLK protein (p.Pro457Ala). This variant is present in population databases (rs762537605, gnomAD 0.003%). This variant has not been reported in the literature in individuals affected with BLK-related conditions. ClinVar contains an entry for this variant (Variation ID: 1351783). An algorithm developed to predict the effect of missense changes on protein structure and function (PolyPhen-2) suggests that this variant is likely to be disruptive. In summary, the available evidence is currently insufficient to determine the role of this variant in disease. Therefore, it has been classified as a Variant of Uncertain Significance.

CeGaT Center for Human Genetics Tuebingen
Classification: Uncertain significance. Last evaluated: 2022-05-01. Review status: criteria provided, single submitter. Criteria: CeGaT Center For Human Genetics Tuebingen Variant Classification Criteria Version 2. Collection method: clinical testing. Allele origin: germline. Affected: yes. Observed: 1 variant allele.